The following is an entry in ClinVar:

NM_001042492.3(NF1):c.7281C>A (p.Asp2427Glu)

Gene: NF1 (neurofibromin 1; plus strand). Cytogenetic location: 17q11.2.
Variant type: single nucleotide variant.
Coding change: c.7281C>A on transcript NM_001042492.3 (MANE Select); coding-DNA position 7281, C replaced by A.
Protein change: p.Asp2427Glu; replaces aspartic acid 2427 with glutamic acid.
Molecular consequence: missense variant.
Genome position (GRCh38, 1-based): chr17:31,349,211, C>A. VCF-style: chr17-31349211-C-A. GRCh37 (hg19) VCF-style: chr17-29676229-C-A.
Other names: c.7218C>A, p.Asp2406Glu (NM_000267.4); short protein forms D2406E, D2427E.
Identifiers: ClinVar variation 579377 (VCV000579377.5), dbSNP rs1567623519, ClinGen allele CA399016841.
Genomic context (GRCh38, chr17:31,349,211, plus strand): 5'-AAGAACAGTCAGAATTTTACATACACTACTAACTCTGGTTAACAAACACAGAAATTGTGA[C>A]AAATTTGAAGTGAATACACAGAGCGTGGCCTACTTAGCAGGTAAAAACACAAAATAAACA-3'
Protein context (NP_001035957.1, residues 2417-2437): LTLVNKHRNC[Asp2427Glu]KFEVNTQSVA

ClinVar aggregate classification (germline): Uncertain significance (1 of 4 stars; one submission).

Conditions:
Neurofibromatosis, type 1 (NF1). Also called: Peripheral type neurofibromatosis; Neurofibromatosis, type I; VON RECKLINGHAUSEN DISEASE; NEUROFIBROMATOSIS, TYPE I, SOMATIC. Identifiers: Orphanet 636, MedGen C0027831, MONDO:0018975, OMIM 162200. Disease mechanism: loss of function.

Submission:

Labcorp Genetics (formerly Invitae), Labcorp
Classification: Uncertain significance for Neurofibromatosis, type 1. Last evaluated: 2021-10-16. Review status: criteria provided, single submitter. Criteria: Invitae Variant Classification Sherloc (09022015). Collection method: clinical testing. Allele origin: germline.
Comment: This sequence change replaces aspartic acid with glutamic acid at codon 2406 of the NF1 protein (p.Asp2406Glu). The aspartic acid residue is moderately conserved and there is a small physicochemical difference between aspartic acid and glutamic acid. This variant is not present in population databases (ExAC no frequency). This variant has not been reported in the literature in individuals affected with NF1-related conditions. Algorithms developed to predict the effect of missense changes on protein structure and function are either unavailable or do not agree on the potential impact of this missense change (SIFT: "Deleterious"; PolyPhen-2: "Possibly Damaging"; Align-GVGD: "Class C0"). In summary, the available evidence is currently insufficient to determine the role of this variant in disease. Therefore, it has been classified as a Variant of Uncertain Significance.